The following is an entry in ClinVar:

ClinVar aggregate classification (germline): Uncertain significance (1 of 4 stars; one submission).

Conditions:
NTN1-related disorder. Also called: NTN1-related condition.

gnomAD v4.1: 1 of 1,613,632 alleles (0.000062%); highest among the groups gnomAD compares: Non-Finnish European, 0.000085%; no homozygotes.

Submission:

PreventionGenetics, part of Exact Sciences
Classification: Uncertain significance for NTN1-related condition. Last evaluated: 2025-04-29. Review status: criteria provided, single submitter. Criteria: ACMG Guidelines, 2015. Collection method: clinical testing. Allele origin: germline.
Comment: The NTN1 c.1666C>G variant is predicted to result in the amino acid substitution p.Leu556Val. To our knowledge, this variant has not been reported in the literature. This variant is reported in 0.00089% of alleles in individuals of European (Non-Finnish) descent in gnomAD. At this time, the clinical significance of this variant is uncertain due to the absence of conclusive functional and genetic evidence.

NM_004822.3(NTN1):c.1666C>G (p.Leu556Val)

Gene: NTN1 (netrin 1; plus strand). Cytogenetic location: 17p13.1.
Variant type: single nucleotide variant.
Coding change: c.1666C>G on transcript NM_004822.3 (MANE Select); coding-DNA position 1666, C replaced by G.
Protein change: p.Leu556Val; replaces leucine 556 with valine.
Molecular consequence: missense variant.
Genome position (GRCh38, 1-based): chr17:9,239,819, C>G. VCF-style: chr17-9239819-C-G. GRCh37 (hg19) VCF-style: chr17-9143136-C-G.
Other names: short protein forms L556V.
Identifiers: ClinVar variation 5000497 (VCV005000497.1).